The following is an entry in ClinVar:

NM_080732.4(EGLN2):c.1130C>T (p.Ala377Val)

Genes: EGLN2 (egl-9 family hypoxia inducible factor 2; plus strand), RAB4B-EGLN2 (RAB4B-EGLN2 readthrough (NMD candidate); plus strand). Cytogenetic location: 19q13.2.
Variant type: single nucleotide variant.
Coding change: c.1130C>T on transcript NM_080732.4 (MANE Select); coding-DNA position 1130, C replaced by T.
Protein change: p.Ala377Val; replaces alanine 377 with valine.
Molecular consequence: missense variant. On other transcripts: non-coding transcript variant (1).
Genome position (GRCh38, 1-based): chr19:40,807,513, C>T. VCF-style: chr19-40807513-C-T. GRCh37 (hg19) VCF-style: chr19-41313418-C-T.
Other names: c.1130C>T, p.Ala377Val (NM_053046.4); short protein forms A377V.
Identifiers: ClinVar variation 3228978 (VCV003228978.1), dbSNP rs2516009822, ClinGen allele CA405956763.

ClinVar aggregate classification (germline): Uncertain significance (1 of 4 stars; one submission).

Submission:

Ambry Genetics
Classification: Uncertain significance. Last evaluated: 2023-12-15. Review status: criteria provided, single submitter. Criteria: Ambry Variant Classification Scheme 2023. Collection method: clinical testing. Allele origin: germline.
Comment: The p.A377V variant (also known as c.1130C>T), located in coding exon 4 of the EGLN2 gene, results from a C to T substitution at nucleotide position 1130. The alanine at codon 377 is replaced by valine, an amino acid with similar properties. This amino acid position is conserved. In addition, this alteration is predicted to be deleterious by in silico analysis. Since supporting evidence is limited at this time, the clinical significance of this alteration remains unclear.